The following is an entry in ClinVar:

NM_001378454.1(ALMS1):c.10619_10622del (p.Thr3540fs)

Gene: ALMS1 (ALMS1 centrosome and basal body associated protein; plus strand). Cytogenetic location: 2p13.1.
Variant type: Deletion.
Coding change: c.10619_10622del on transcript NM_001378454.1 (MANE Select); coding-DNA positions 10619 to 10622, 4 bases deleted (CAGA; older notation c.10619_10622delCAGA).
Protein change: p.Thr3540fs; shifts the reading frame from threonine 3540.
Molecular consequence: frameshift variant.
Genome position (GRCh38, 1-based): chr2:73,572,496-73,572,499, CAGA deleted; deleting any 4 consecutive bases within chr2:73,572,493-73,572,499 gives the same sequence; the c. name uses the placement nearest the transcript's 3' end. VCF-style (leftmost placement, unchanged base first): chr2-73572492-AAGAC-A. GRCh37 (hg19) VCF-style: chr2-73799619-AAGAC-A.
Other names: c.10622_10625delCAGA (NM_015120.4); c.10622_10625del, p.Thr3541fs (NM_015120.4); short protein forms T3540fs, T3541fs.
Identifiers: ClinVar variation 1073658 (VCV001073658.9), dbSNP rs2104104427, ClinGen allele CA2499216271.

ClinVar aggregate classification (germline): Pathogenic. Review status: criteria provided, multiple submitters, no conflicts (2 of 4 stars). 2 submissions from 2 submitters: Pathogenic (2). Last evaluated 2024-09-08.

Conditions:
Cardiovascular phenotype. Identifiers: MedGen CN230736.
Alstrom syndrome (ALMS). Identifiers: Orphanet 64, MedGen C0268425, MONDO:0008763, OMIM 203800.

Submissions (2):

Labcorp Genetics (formerly Invitae), Labcorp
Classification: Pathogenic for Alstrom syndrome. Last evaluated: 2024-09-08. Review status: criteria provided, single submitter. Criteria: Invitae Variant Classification Sherloc (09022015). Collection method: clinical testing. Allele origin: germline.
Comment: This sequence change creates a premature translational stop signal (p.Thr3541Ilefs*5) in the ALMS1 gene. It is expected to result in an absent or disrupted protein product. Loss-of-function variants in ALMS1 are known to be pathogenic (PMID: 17594715). This variant is not present in population databases (gnomAD no frequency). This variant has not been reported in the literature in individuals affected with ALMS1-related conditions. ClinVar contains an entry for this variant (Variation ID: 1073658). For these reasons, this variant has been classified as Pathogenic.

Ambry Genetics
Classification: Pathogenic for Cardiovascular phenotype. Last evaluated: 2022-07-12. Review status: criteria provided, single submitter. Criteria: Ambry Variant Classification Scheme 2023. Collection method: clinical testing. Allele origin: germline.
Comment: The c.10622_10625delCAGA pathogenic mutation, located in coding exon 16 of the ALMS1 gene, results from a deletion of 4 nucleotides at nucleotide positions 10622 to 10625, causing a translational frameshift with a predicted alternate stop codon (p.T3541Ifs*5). This alteration is expected to result in loss of function by premature protein truncation or nonsense-mediated mRNA decay. As such, this alteration is interpreted as a disease-causing mutation.

Literature cited by the submitters: PubMed 17594715 (cited by Labcorp Genetics (formerly Invitae), Labcorp).